The following is an entry in ClinVar:

Conditions:
Long QT syndrome 5 (LQT5). Identifiers: Orphanet 101016, Orphanet 768, MedGen C1867904, MONDO:0013372, OMIM 613695.

Submission:

Roden Lab, Vanderbilt University Medical Center
No classification provided (evidence only). Condition: Long QT syndrome 5. Review status: no classification provided. Collection method: in vitro. Allele origin: not applicable. Functional consequence: Effect on ion channel function.
ClinVar note: "not provided" was previously submitted as the classification for the variant. However, the classification appeared to be based only on an observation of functional data so it was converted to no classification on 2025-07-30.

NM_000219.6(KCNE1):c.376A>C (p.Lys126Gln)

Gene: KCNE1 (potassium voltage-gated channel subfamily E regulatory subunit 1; minus strand). Cytogenetic location: 21q22.12.
Variant type: single nucleotide variant.
Coding change: c.376A>C on transcript NM_000219.6 (MANE Select); coding-DNA position 376, A replaced by C.
Protein change: p.Lys126Gln; replaces lysine 126 with glutamine.
Molecular consequence: missense variant.
Genome position (GRCh38, 1-based): chr21:34,449,259, T>G on the plus strand (A>C on the coding strand, the complement: KCNE1 is on the minus strand). VCF-style: chr21-34449259-T-G. GRCh37 (hg19) VCF-style: chr21-35821557-T-G.
Other names: c.376A>C, p.Lys126Gln (NM_001127668.4, NM_001127669.4, NM_001127670.4 and 4 more transcripts); short protein forms K126Q.
Identifiers: ClinVar variation 3373857 (VCV003373857.2).